The following is an entry in ClinVar:

NM_144701.3(IL23R):c.1351AAG[1] (p.Lys452del)

Gene: IL23R (interleukin 23 receptor; plus strand). Cytogenetic location: 1p31.3.
Variant type: Microsatellite.
Coding change: c.1351AAG[1] on transcript NM_144701.3 (MANE Select); one copy of the 3-base unit AAG starting at c.1351; the reference has two copies in a row; one copy, 3 bases deleted.
Protein change: p.Lys452del; deletes lysine 452.
Molecular consequence: inframe deletion.
Genome position (GRCh38, 1-based): chr1:67,258,592-67,258,594, AAG deleted; deleting any 3 consecutive bases within chr1:67,258,589-67,258,594 gives the same sequence; the position shown is the placement nearest the transcript's 3' end. VCF-style (leftmost placement, unchanged base first): chr1-67258588-CAAG-C. GRCh37 (hg19) VCF-style: chr1-67724271-CAAG-C.
Other names: short protein forms K452del.
Identifiers: ClinVar variation 3607649 (VCV003607649.3).

ClinVar aggregate classification (germline): Uncertain significance. Review status: criteria provided, multiple submitters, no conflicts (2 of 4 stars). 2 submissions from 2 submitters: Uncertain significance (2). Last evaluated 2024-05-15.

Submissions (2):

Labcorp Genetics (formerly Invitae), Labcorp
Classification: Uncertain significance. Last evaluated: 2024-05-15. Review status: criteria provided, single submitter. Criteria: Invitae Variant Classification Sherloc (09022015). Collection method: clinical testing. Allele origin: germline.
Comment: This variant, c.1354_1356del, results in the deletion of 1 amino acid(s) of the IL23R protein (p.Lys452del), but otherwise preserves the integrity of the reading frame. This variant is not present in population databases (gnomAD no frequency). This variant has not been reported in the literature in individuals affected with IL23R-related conditions. Experimental studies and prediction algorithms are not available or were not evaluated, and the functional significance of this variant is currently unknown. In summary, the available evidence is currently insufficient to determine the role of this variant in disease. Therefore, it has been classified as a Variant of Uncertain Significance.

Blueprint Genetics
Classification: Uncertain significance. Last evaluated: 2020-01-27. Review status: criteria provided, single submitter. Criteria: ACMG Guidelines, 2015. Collection method: clinical testing. Allele origin: germline.